The following is an entry in ClinVar:

ClinVar aggregate classification (germline): Likely pathogenic (1 of 4 stars; one submission).

Conditions:
Split hand-foot malformation 1 with sensorineural hearing loss. Also called: SPLIT-HAND/FOOT MALFORMATION 1 WITH SENSORINEURAL HEARING LOSS, AUTOSOMAL RECESSIVE; DEAFNESS, CONGENITAL, WITH SPLIT HANDS AND FEET. Identifiers: Orphanet 71271, MedGen C1857344, MONDO:0009080, OMIM 220600.
Split hand-foot malformation 1. Also called: SPLIT-HAND DEFORMITY; SPLIT-HAND/FOOT DEFORMITY 1; Split hand foot deformity 1; Split hand malformation1; SPLIT-HAND/FOOT MALFORMATION 1 WITH OR WITHOUT DEAFNESS; Split-hand/foot malformation 1. Identifiers: Orphanet 2440, MedGen C2931019, MONDO:0008464, OMIM 183600.

Submission:

Juno Genomics, Hangzhou Juno Genomics, Inc
Classification: Likely pathogenic for Split hand-foot malformation 1 with sensorineural hearing loss; Split hand-foot malformation 1. Review status: criteria provided, single submitter. Criteria: ACMG Guidelines, 2015. Collection method: clinical testing. Allele origin: germline. Affected: yes.
Comment: Absent from controls (or at extremely low frequency if recessive) in Genome Aggregation Database, Exome Sequencing Project, 1000 Genomes Project, or Exome Aggregation Consortium.;Multiple lines of computational evidence support a deleterious effect on the gene or gene product (conservation, evolutionary, splicing impact, etc).;Patient's phenotype or family history is highly specific for a disease with a single genetic etiology.

NM_005221.6(DLX5):c.481T>C (p.Tyr161His)

Gene: DLX5 (distal-less homeobox 5; minus strand). Cytogenetic location: 7q21.3.
Variant type: single nucleotide variant.
Coding change: c.481T>C on transcript NM_005221.6 (MANE Select); coding-DNA position 481, T replaced by C.
Protein change: p.Tyr161His; replaces tyrosine 161 with histidine.
Molecular consequence: missense variant.
Genome position (GRCh38, 1-based): chr7:97,022,244, A>G on the plus strand (T>C on the coding strand, the complement: DLX5 is on the minus strand). VCF-style: chr7-97022244-A-G. GRCh37 (hg19) VCF-style: chr7-96651556-A-G.
Other names: short protein forms Y161H.
Identifiers: ClinVar variation 3381995 (VCV003381995.2).
Genomic context (GRCh38, chr7:97,022,244, plus strand): 5'-CCTGTGTTTGTGTCAATCCCAGCGAGGCGGCCAGCTCGGCGCGTTCCGGCAAGGCGAGGT[A>G]CTGAGTCTTCTGAAACCTTCTCTGTAATGCGGCCAGCTGAAAGCTGGAATAAATAGTCCT-3'
Protein context (NP_005212.1, residues 151-171): ALQRRFQKTQ[Tyr161His]LALPERAELA